The following is an entry in ClinVar:

ClinVar aggregate classification (germline): Uncertain significance. Review status: criteria provided, multiple submitters, no conflicts (2 of 4 stars). 2 submissions from 2 submitters: Uncertain significance (2). Last evaluated 2026-08-05.

Conditions:
CDH23-related disorder. Also called: CDH23-related condition; CDH23-related disorders.

Allele frequency attached by ClinVar (database versions not stated): gnomAD exomes below 0.00001; gnomAD 0.00001.
gnomAD v4.1: 10 of 1,613,862 alleles (0.00062%); highest among the groups gnomAD compares: Admixed American, 0.0017%; no homozygotes.

Submissions (2):

PreventionGenetics, part of Exact Sciences
Classification: Uncertain significance for CDH23-related condition. Last evaluated: 2026-08-05. Review status: criteria provided, single submitter. Criteria: ACMG Guidelines, 2015. Collection method: clinical testing. Allele origin: germline.
Comment: The CDH23 c.4271C>T variant is predicted to result in the amino acid substitution p.Ser1424Leu. To our knowledge, this variant has not been reported in the literature. This variant is reported in 0.0028% of alleles in individuals of Latino descent in gnomAD. At this time, the clinical significance of this variant is uncertain due to the absence of conclusive functional and genetic evidence.

Labcorp Genetics (formerly Invitae), Labcorp
Classification: Uncertain significance. Last evaluated: 2021-09-17. Review status: criteria provided, single submitter. Criteria: Invitae Variant Classification Sherloc (09022015). Collection method: clinical testing. Allele origin: germline.
Comment: This sequence change replaces serine with leucine at codon 1424 of the CDH23 protein (p.Ser1424Leu). The serine residue is highly conserved and there is a large physicochemical difference between serine and leucine. This variant is not present in population databases (ExAC no frequency). This variant has not been reported in the literature in individuals with CDH23-related conditions. Algorithms developed to predict the effect of missense changes on protein structure and function are either unavailable or do not agree on the potential impact of this missense change (SIFT: "Deleterious"; PolyPhen-2: "Unavailable"; Align-GVGD: "Class C65"). In summary, the available evidence is currently insufficient to determine the role of this variant in disease. Therefore, it has been classified as a Variant of Uncertain Significance.

NM_022124.6(CDH23):c.4271C>T (p.Ser1424Leu)

Gene: CDH23 (cadherin related 23; plus strand). Cytogenetic location: 10q22.1.
Variant type: single nucleotide variant.
Coding change: c.4271C>T on transcript NM_022124.6 (MANE Select); coding-DNA position 4271, C replaced by T.
Protein change: p.Ser1424Leu; replaces serine 1424 with leucine.
Molecular consequence: missense variant.
Genome position (GRCh38, 1-based): chr10:71,738,559, C>T. VCF-style: chr10-71738559-C-T. GRCh37 (hg19) VCF-style: chr10-73498316-C-T.
Other names: c.4271C>T (NM_022124.5); short protein forms S1424L.
Identifiers: ClinVar variation 1432057 (VCV001432057.6), dbSNP rs879399870, ClinGen allele CA209484469.
Genomic context (GRCh38, chr10:71,738,559, plus strand): 5'-TCTACATCACTGTGCTGGACGAGAATGACAACAGCCCCCGGTTTGACTTCACCTCCGACT[C>T]GGCGGTCAGCATACCCGAGGACTGCCCTGTGGGCCAGCGAGTGGCTACTGTCAAGGCCTG-3'
Protein context (NP_071407.4, residues 1414-1434): NSPRFDFTSD[Ser1424Leu]AVSIPEDCPV